The following is an entry in ClinVar:

ClinVar aggregate classification (germline): Uncertain significance (1 of 4 stars; one submission).

Allele frequency attached by ClinVar (database versions not stated): gnomAD 0.00001.
gnomAD v4.1: 1 of 1,609,416 alleles (0.000062%); highest among the groups gnomAD compares: African/African-American, 0.0013%; no homozygotes.

Submission:

Ambry Genetics
Classification: Uncertain significance. Last evaluated: 2023-06-21. Review status: criteria provided, single submitter. Criteria: Ambry Variant Classification Scheme 2023. Collection method: clinical testing. Allele origin: germline.
Comment: The p.P175L variant (also known as c.524C>T), located in coding exon 1 of the EGLN1 gene, results from a C to T substitution at nucleotide position 524. The proline at codon 175 is replaced by leucine, an amino acid with similar properties. This amino acid position is conserved. In addition, this alteration is predicted to be tolerated by in silico analysis. Since supporting evidence is limited at this time, the clinical significance of this alteration remains unclear.

NM_022051.3(EGLN1):c.524C>T (p.Pro175Leu)

Gene: EGLN1 (egl-9 family hypoxia inducible factor 1; minus strand). Cytogenetic location: 1q42.2.
Variant type: single nucleotide variant.
Coding change: c.524C>T on transcript NM_022051.3 (MANE Select); coding-DNA position 524, C replaced by T.
Protein change: p.Pro175Leu; replaces proline 175 with leucine.
Molecular consequence: missense variant.
Genome position (GRCh38, 1-based): chr1:231,421,365, G>A on the plus strand (C>T on the coding strand, the complement: EGLN1 is on the minus strand). VCF-style: chr1-231421365-G-A. GRCh37 (hg19) VCF-style: chr1-231557111-G-A.
Other names: c.524C>T, p.Pro175Leu (NM_001377260.1, NM_001377261.1); short protein forms P175L.
Identifiers: ClinVar variation 2626697 (VCV002626697.2), dbSNP rs759117988, ClinGen allele CA345236733.
Genomic context (GRCh38, chr1:231,421,365, plus strand): 5'-AGCGCCAGCTTCAGCGCCGGCAGGGGCTTCGTCTGCCCGTTGGGCCGCAGGCCGCCGCCG[G>A]GGCTCAGCGCATCCCCGGGCGTGTTGCTTGGGGGGTACAGGTTCGCCTTCTCCTGGAACA-3'
Protein context (NP_071334.1, residues 165-185): PSNTPGDALS[Pro175Leu]GGGLRPNGQT